The following is an entry in ClinVar:

ClinVar aggregate classification (germline): Uncertain significance (1 of 4 stars; one submission).

Submission:

Labcorp Genetics (formerly Invitae), Labcorp
Classification: Uncertain significance. Last evaluated: 2024-12-14. Review status: criteria provided, single submitter. Criteria: Invitae Variant Classification Sherloc (09022015). Collection method: clinical testing. Allele origin: germline.
Comment: This sequence change replaces serine, which is neutral and polar, with arginine, which is basic and polar, at codon 964 of the NLRP1 protein (p.Ser964Arg). This variant is not present in population databases (gnomAD no frequency). This variant has not been reported in the literature in individuals affected with NLRP1-related conditions. An algorithm developed to predict the effect of missense changes on protein structure and function (PolyPhen-2) suggests that this variant is likely to be tolerated. In summary, the available evidence is currently insufficient to determine the role of this variant in disease. Therefore, it has been classified as a Variant of Uncertain Significance.

NM_033004.4(NLRP1):c.2890A>C (p.Ser964Arg)

Gene: NLRP1 (NLR family pyrin domain containing 1; minus strand). Cytogenetic location: 17p13.2.
Variant type: single nucleotide variant.
Coding change: c.2890A>C on transcript NM_033004.4 (MANE Select); coding-DNA position 2890, A replaced by C.
Protein change: p.Ser964Arg; replaces serine 964 with arginine.
Molecular consequence: missense variant. On other transcripts: intron variant (2).
Genome position (GRCh38, 1-based): chr17:5,536,921, T>G on the plus strand (A>C on the coding strand, the complement: NLRP1 is on the minus strand). VCF-style: chr17-5536921-T-G. GRCh37 (hg19) VCF-style: chr17-5440241-T-G.
Other names: c.2890A>C, p.Ser964Arg (NM_001033053.3, NM_014922.5); c.2870+2494A>C (NM_033007.4, NM_033006.4); short protein forms S964R.
Identifiers: ClinVar variation 3726499 (VCV003726499.2).